The following is an entry in ClinVar:

ClinVar aggregate classification (germline): Uncertain significance (1 of 4 stars; one submission).

Conditions:
MPZL2-related disorder. Also called: MPZL2-related condition.

gnomAD v4.1: 85 of 1,614,158 alleles (0.0053%); highest among the groups gnomAD compares: African/African-American, 0.11%; no homozygotes.

Submission:

PreventionGenetics, part of Exact Sciences
Classification: Uncertain significance for MPZL2-related condition. Last evaluated: 2025-08-07. Review status: criteria provided, single submitter. Criteria: ACMG Guidelines, 2015. Collection method: clinical testing. Allele origin: germline.
Comment: The MPZL2 c.352A>C variant is predicted to result in the amino acid substitution p.Asn118His. To our knowledge, this variant has not been reported in the literature. This variant is reported in 0.13% of alleles in individuals of African descent in gnomAD. Although we suspect that this variant may be benign, at this time, the clinical significance of this variant is uncertain due to the absence of conclusive functional and genetic evidence.

NM_005797.4(MPZL2):c.352A>C (p.Asn118His)

Gene: MPZL2 (myelin protein zero like 2; minus strand). Cytogenetic location: 11q23.3.
Variant type: single nucleotide variant.
Coding change: c.352A>C on transcript NM_005797.4 (MANE Select); coding-DNA position 352, A replaced by C.
Protein change: p.Asn118His; replaces asparagine 118 with histidine.
Molecular consequence: missense variant.
Genome position (GRCh38, 1-based): chr11:118,262,522, T>G on the plus strand (A>C on the coding strand, the complement: MPZL2 is on the minus strand). VCF-style: chr11-118262522-T-G. GRCh37 (hg19) VCF-style: chr11-118133237-T-G.
Other names: c.352A>C, p.Asn118His (NM_144765.3); short protein forms N118H.
Identifiers: ClinVar variation 4980131 (VCV004980131.1).